The following is an entry in ClinVar:

ClinVar aggregate classification (germline): Uncertain significance (1 of 4 stars; one submission).

Conditions:
Mucopolysaccharidosis, MPS-III-A (MPS3A). Also called: HEPARAN SULFATE SULFATASE DEFICIENCY; SANFILIPPO SYNDROME A; SULFAMIDASE DEFICIENCY; MPS III A; Mucopolysaccharidosis, type IIIA; MUCOPOLYSACCHARIDOSIS, TYPE IIIA, ATTENUATED. Identifiers: Orphanet 581, Orphanet 79269, MedGen C0086647, MONDO:0009655, OMIM 252900.

gnomAD v4.1: 9 of 1,613,962 alleles (0.00056%); highest among the groups gnomAD compares: Admixed American, 0.01%; no homozygotes.

Submission:

Labcorp Genetics (formerly Invitae), Labcorp
Classification: Uncertain significance for Mucopolysaccharidosis, MPS-III-A. Last evaluated: 2022-10-24. Review status: criteria provided, single submitter. Criteria: Invitae Variant Classification Sherloc (09022015). Collection method: clinical testing. Allele origin: germline.
Comment: This sequence change replaces arginine, which is basic and polar, with leucine, which is neutral and non-polar, at codon 414 of the SGSH protein (p.Arg414Leu). This variant is present in population databases (rs200320139, gnomAD 0.01%). This variant has not been reported in the literature in individuals affected with SGSH-related conditions. Advanced modeling of protein sequence and biophysical properties (such as structural, functional, and spatial information, amino acid conservation, physicochemical variation, residue mobility, and thermodynamic stability) has been performed at Invitae for this missense variant, however the output from this modeling did not meet the statistical confidence thresholds required to predict the impact of this variant on SGSH protein function. In summary, the available evidence is currently insufficient to determine the role of this variant in disease. Therefore, it has been classified as a Variant of Uncertain Significance.

NM_000199.5(SGSH):c.1241G>T (p.Arg414Leu)

Gene: SGSH (N-sulfoglucosamine sulfohydrolase; minus strand). Cytogenetic location: 17q25.3.
Variant type: single nucleotide variant.
Coding change: c.1241G>T on transcript NM_000199.5 (MANE Select); coding-DNA position 1241, G replaced by T.
Protein change: p.Arg414Leu; replaces arginine 414 with leucine.
Molecular consequence: missense variant. On other transcripts: 3 prime UTR variant (2), non-coding transcript variant (1).
Genome position (GRCh38, 1-based): chr17:80,210,720, C>A on the plus strand (G>T on the coding strand, the complement: SGSH is on the minus strand). VCF-style: chr17-80210720-C-A. GRCh37 (hg19) VCF-style: chr17-78184519-C-A.
Other names: c.*328G>T (NM_001352921.3); c.*291G>T (NM_001352922.2); short protein forms R414L.
Identifiers: ClinVar variation 2156620 (VCV002156620.1), dbSNP rs200320139, ClinGen allele CA8817642.